The following is an entry in ClinVar:

ClinVar aggregate classification (germline): Likely benign (0 of 4 stars; one submission).

Conditions:
MYO16-related disorder. Also called: MYO16-related condition.

Allele frequency attached by ClinVar (database versions not stated): ExAC 0.00021; 1000 Genomes Project 0.00040; 1000 Genomes Project 30x 0.00047; gnomAD 0.00048; TOPMed 0.00057; ESP Exome Variant Server 0.00062.
gnomAD v4.1: 174 of 1,610,522 alleles (0.011%); highest among the groups gnomAD compares: African/African-American, 0.14%; no homozygotes.

Submission:

PreventionGenetics, part of Exact Sciences
Classification: Likely benign for MYO16-related condition. Last evaluated: 2019-05-28. Review status: no assertion criteria provided. Collection method: clinical testing. Allele origin: germline.
Comment: This variant is classified as likely benign based on ACMG/AMP sequence variant interpretation guidelines (Richards et al. 2015 PMID: 25741868, with internal and published modifications).

NM_001198950.3(MYO16):c.1080C>T (p.Pro360=)

Gene: MYO16 (myosin XVI; plus strand). Cytogenetic location: 13q33.3.
Variant type: single nucleotide variant.
Coding change: c.1080C>T on transcript NM_001198950.3 (MANE Select); coding-DNA position 1080, C replaced by T.
Protein change: p.Pro360=; no amino-acid change (proline 360 retained).
Molecular consequence: synonymous variant.
Genome position (GRCh38, 1-based): chr13:108,823,261, C>T. VCF-style: chr13-108823261-C-T. GRCh37 (hg19) VCF-style: chr13-109475609-C-T.
Other names: c.1014C>T, p.Pro338= (NM_015011.3).
Identifiers: ClinVar variation 3038507 (VCV003038507.2), dbSNP rs141132835, ClinGen allele CA7044599.